The following is an entry in ClinVar:

NM_001267550.2(TTN):c.4646-7C>A

Genes: TTN (titin; minus strand), LOC101927055 (uncharacterized LOC101927055; plus strand). Cytogenetic location: 2q31.2.
Variant type: single nucleotide variant.
Coding change: c.4646-7C>A on transcript NM_001267550.2 (MANE Select); 7 bases into the intron before coding-DNA position 4646, C replaced by A.
Molecular consequence: intron variant. On other transcripts: non-coding transcript variant (1).
Genome position (GRCh38, 1-based): chr2:178,777,324, G>T on the plus strand (C>A on the coding strand, the complement: TTN is on the minus strand). VCF-style: chr2-178777324-G-T. GRCh37 (hg19) VCF-style: chr2-179642051-G-T.
Other names: c.4508-7C>A (NM_003319.4, NM_133437.4, NM_133432.3); c.4646-7C>A (NM_133378.4, NM_001256850.1, NM_133379.5).
Identifiers: ClinVar variation 467178 (VCV000467178.16), dbSNP rs758516007, ClinGen allele CA2005287.

ClinVar aggregate classification (germline): Conflicting classifications of pathogenicity. Review status: criteria provided, conflicting classifications (1 of 4 stars). 6 submissions from 6 submitters: Uncertain significance (1); Likely benign (5). Last evaluated 2026-09-15.

Conditions:
TTN-related disorder. Also called: TTN-related condition; TTN-related disease; TTN-related disorders.
Autosomal recessive limb-girdle muscular dystrophy type 2J (LGMDR10). Also called: Limb-girdle muscular dystrophy, type 2J; MUSCULAR DYSTROPHY, LIMB-GIRDLE, AUTOSOMAL RECESSIVE 10. Identifiers: Orphanet 140922, MedGen C1837342, MONDO:0012127, OMIM 608807.
Dilated cardiomyopathy 1G (CMD1G). Identifiers: Orphanet 154, MedGen C1858763, MONDO:0011400, OMIM 604145.
Cardiomyopathy (CMYO). Also called: Cardiomyopathies. Identifiers: Orphanet 167848, MedGen C0878544, MONDO:0004994, HP:0001638. Inheritance: Various modes of inheritance.

Allele frequency attached by ClinVar (database versions not stated): gnomAD exomes 0.00002; ExAC 0.00003; TOPMed 0.00003; gnomAD 0.00004 and 0.00005.
gnomAD v4.1: 35 of 1,613,606 alleles (0.0022%); highest among the groups gnomAD compares: Non-Finnish European, 0.0027%; no homozygotes.

Submissions (6):

PreventionGenetics, part of Exact Sciences
Classification: Likely benign for TTN-related condition. Last evaluated: 2026-09-15. Review status: criteria provided, single submitter. Criteria: ACMG Guidelines, 2015. Collection method: clinical testing. Allele origin: germline.
Comment: This variant is classified as likely benign based on ACMG/AMP sequence variant interpretation guidelines (Richards et al. 2015 PMID: 25741868, with internal and published modifications).

Molecular Diagnostic Laboratory for Inherited Cardiovascular Disease, Montreal Heart Institute
Classification: Likely benign. Last evaluated: 2026-03-27. Review status: criteria provided, single submitter. Criteria: ACMG Guidelines, 2015. Collection method: clinical testing. Allele origin: germline. Affected: no.

Labcorp Genetics (formerly Invitae), Labcorp
Classification: Likely benign for Dilated cardiomyopathy 1G; Autosomal recessive limb-girdle muscular dystrophy type 2J. Last evaluated: 2025-12-22. Review status: criteria provided, single submitter. Criteria: Invitae Variant Classification Sherloc (09022015). Collection method: clinical testing. Allele origin: germline.

Blueprint Genetics
Classification: Likely benign. Last evaluated: 2023-05-26. Review status: criteria provided, single submitter. Criteria: ACMG Guidelines, 2015. Collection method: clinical testing. Allele origin: germline.

GeneDx
Classification: Likely benign. Last evaluated: 2018-05-24. Review status: criteria provided, single submitter. Criteria: GeneDx Variant Classification (06012015). Collection method: clinical testing. Allele origin: germline. Affected: yes.
Comment: This variant is considered likely benign or benign based on one or more of the following criteria: it is a conservative change, it occurs at a poorly conserved position in the protein, it is predicted to be benign by multiple in silico algorithms, and/or has population frequency not consistent with disease.

CHEO Genetics Diagnostic Laboratory, Children's Hospital of Eastern Ontario
Classification: Uncertain significance for Cardiomyopathy. Last evaluated: 2016-08-15. Review status: criteria provided, single submitter. Criteria: ACMG Guidelines, 2015. Collection method: clinical testing. Allele origin: germline. Study: Canadian Open Genetics Repository.